The following is an entry in ClinVar:

NM_004533.4(MYBPC2):c.512+1G>A

Gene: MYBPC2 (myosin binding protein C2; plus strand). Cytogenetic location: 19q13.33.
Variant type: single nucleotide variant.
Coding change: c.512+1G>A on transcript NM_004533.4 (MANE Select); the canonical splice donor site of the intron after coding-DNA position 512, G replaced by A.
Molecular consequence: splice donor variant.
Genome position (GRCh38, 1-based): chr19:50,437,522, G>A. VCF-style: chr19-50437522-G-A. GRCh37 (hg19) VCF-style: chr19-50940779-G-A.
Identifiers: ClinVar variation 3053488 (VCV003053488.2), dbSNP rs192680999, ClinGen allele CA9597354.
Genomic context (GRCh38, chr19:50,437,522, plus strand): 5'-CCTCTCCCCAGCACCCCGTCAGGATGCCTCTGGGCAGAGTCTAGAAAGCTTCAAGCGTAC[G>A]TAAGTGACCCCAGGCCCTTACCAGGGTCCCAAGGACCATGGGAGGCTCTCCCTTGGAAGG-3'

ClinVar aggregate classification (germline): Likely benign (0 of 4 stars; one submission).

Conditions:
MYBPC2-related disorder. Also called: MYBPC2-related condition.

Allele frequency attached by ClinVar (database versions not stated): 1000 Genomes Project 0.00140; 1000 Genomes Project 30x 0.00141; gnomAD 0.00170; TOPMed 0.00183; ESP Exome Variant Server 0.00207.
gnomAD v4.1: 503 of 1,610,090 alleles (0.031%); highest among the groups gnomAD compares: African/African-American, 0.57%; 4 homozygotes.

Submission:

PreventionGenetics, part of Exact Sciences
Classification: Likely benign for MYBPC2-related condition. Last evaluated: 2022-04-28. Review status: no assertion criteria provided. Collection method: clinical testing. Allele origin: germline.
Comment: This variant is classified as likely benign based on ACMG/AMP sequence variant interpretation guidelines (Richards et al. 2015 PMID: 25741868, with internal and published modifications).